The following is an entry in ClinVar:

ClinVar aggregate classification (germline): Uncertain significance (1 of 4 stars; one submission).

Allele frequency attached by ClinVar (database versions not stated): gnomAD exomes below 0.00001 and 0.00001; gnomAD 0.00001; TOPMed 0.00001.
gnomAD v4.1: 11 of 1,605,250 alleles (0.00069%); highest among the groups gnomAD compares: African/African-American, 0.004%; no homozygotes.

Submission:

Labcorp Genetics (formerly Invitae), Labcorp
Classification: Uncertain significance. Last evaluated: 2022-10-18. Review status: criteria provided, single submitter. Criteria: Invitae Variant Classification Sherloc (09022015). Collection method: clinical testing. Allele origin: germline.
Comment: This sequence change replaces arginine with histidine at codon 137 of the CFD protein (p.Arg137His). The arginine residue is highly conserved and there is a small physicochemical difference between arginine and histidine. This variant is not present in population databases (gnomAD no frequency). This variant has not been reported in the literature in individuals affected with CFD-related conditions. ClinVar contains an entry for this variant (Variation ID: 1461173). Algorithms developed to predict the effect of missense changes on protein structure and function output the following: SIFT: "Not Available"; PolyPhen-2: "Benign"; Align-GVGD: "Not Available". The histidine amino acid residue is found in multiple mammalian species, which suggests that this missense change does not adversely affect protein function. In summary, the available evidence is currently insufficient to determine the role of this variant in disease. Therefore, it has been classified as a Variant of Uncertain Significance.

NM_001928.4(CFD):c.410G>A (p.Arg137His)

Gene: CFD (complement factor D; plus strand). Cytogenetic location: 19p13.3.
Variant type: single nucleotide variant.
Coding change: c.410G>A on transcript NM_001928.4 (MANE Select); coding-DNA position 410, G replaced by A.
Protein change: p.Arg137His; replaces arginine 137 with histidine.
Molecular consequence: missense variant.
Genome position (GRCh38, 1-based): chr19:861,751, G>A. VCF-style: chr19-861751-G-A. GRCh37 (hg19) VCF-style: chr19-861751-G-A.
Other names: c.431G>A, p.Arg144His (NM_001317335.2); short protein forms R137H, R144H.
Identifiers: ClinVar variation 1461173 (VCV001461173.3), dbSNP rs749867848, ClinGen allele CA9026356.